The following is an entry in ClinVar:

ClinVar aggregate classification (germline): Conflicting classifications of pathogenicity. Review status: criteria provided, conflicting classifications (1 of 4 stars). 4 submissions from 4 submitters: Uncertain significance (1); Benign (1); Likely benign (2). Last evaluated 2025-10-06.

Conditions:
Inborn genetic diseases. Identifiers: MedGen C0950123, MeSH D030342.
Autism spectrum disorder. Also called: Autism spectrum disorders. Identifiers: MedGen C1510586, MeSH D000067877, MONDO:0005258.

Allele frequency attached by ClinVar (database versions not stated): ESP Exome Variant Server 0.00009; TOPMed 0.00010; gnomAD 0.00011; ExAC 0.00014; gnomAD exomes 0.00021.
gnomAD v4.1: 248 of 1,208,913 alleles (0.021%); highest among the groups gnomAD compares: Non-Finnish European, 0.026%; no homozygotes.

Submissions (5):

Labcorp Genetics (formerly Invitae), Labcorp
Classification: Benign. Last evaluated: 2025-10-06. Review status: criteria provided, single submitter. Criteria: Invitae Variant Classification Sherloc (09022015). Collection method: clinical testing. Allele origin: germline.

CeGaT Center for Human Genetics Tuebingen
Classification: Likely benign. Last evaluated: 2024-11-01. Review status: criteria provided, single submitter. Criteria: CeGaT Center For Human Genetics Tuebingen Variant Classification Criteria Version 2. Collection method: clinical testing. Allele origin: germline. Affected: yes. Observed: 1 variant allele.
Comment: HUWE1: BS2

Department of Genetics, Rouen University Hospital, Normandy Center for Genomic and Personalized Medicine
Classification: Uncertain significance for Autism spectrum disorder. Last evaluated: 2022-08-08. Review status: criteria provided, single submitter. Criteria: ACMG Guidelines, 2015. Collection method: clinical testing. Allele origin: maternal. Affected: yes.

Ambry Genetics
Classification: Likely benign for Inborn genetic diseases. Last evaluated: 2017-11-20. Review status: criteria provided, single submitter. Criteria: Ambry Variant Classification Scheme 2023. Collection method: clinical testing. Allele origin: germline.

Dr. Peter K. Rogan Lab, Western University
No classification provided (evidence only). Condition: Ovarian cancer. Review status: no classification provided. Collection method: in vitro. Allele origin: not applicable. Functional consequence: skipped exon, retained intron. Not counted in ClinVar's aggregate classification.

NM_031407.7(HUWE1):c.504+5G>A

Gene: HUWE1 (HECT, UBA and WWE domain containing E3 ubiquitin protein ligase 1; minus strand). Cytogenetic location: Xp11.22.
Variant type: single nucleotide variant.
Coding change: c.504+5G>A on transcript NM_031407.7 (MANE Select); 5 bases into the intron after coding-DNA position 504, G replaced by A.
Molecular consequence: intron variant.
Genome position (GRCh38, 1-based): chrX:53,645,306, C>T on the plus strand (G>A on the coding strand, the complement: HUWE1 is on the minus strand). VCF-style: chrX-53645306-C-T. GRCh37 (hg19) VCF-style: chrX-53672258-C-T.
Identifiers: ClinVar variation 1744947 (VCV001744947.24), dbSNP rs376896097, ClinGen allele CA10423104.
Genomic context (GRCh38, chrX:53,645,306, plus strand): 5'-CACCTGTTGAAAGGAACCATATGCTCCAATTTTTGCACCCCTCCAACTCTTCACCCAAGA[C>T]TCACCTCTGCCAAATGTTGTAGCCGAGTTAGCAGCGGGGTCCTCTTGTCAGATCCCAGAC-3'